The following is an entry in ClinVar:

ClinVar aggregate classification (germline): Uncertain significance (1 of 4 stars; one submission).

Submission:

GeneDx
Classification: Uncertain significance. Last evaluated: 2025-05-09. Review status: criteria provided, single submitter. Criteria: GeneDx Variant Classification Process June 2021. Collection method: clinical testing. Allele origin: germline. Affected: yes.
Comment: Not observed at significant frequency in large population cohorts (gnomAD); In silico analysis supports that this missense variant has a deleterious effect on protein structure/function; Has not been previously published as pathogenic or benign to our knowledge

NM_003128.3(SPTBN1):c.5570G>A (p.Gly1857Asp)

Gene: SPTBN1 (spectrin beta, non-erythrocytic 1; plus strand). Cytogenetic location: 2p16.2.
Variant type: single nucleotide variant.
Coding change: c.5570G>A on transcript NM_003128.3 (MANE Select); coding-DNA position 5570, G replaced by A.
Protein change: p.Gly1857Asp; replaces glycine 1857 with aspartic acid.
Molecular consequence: missense variant.
Genome position (GRCh38, 1-based): chr2:54,649,982, G>A. VCF-style: chr2-54649982-G-A. GRCh37 (hg19) VCF-style: chr2-54877119-G-A.
Other names: c.5531G>A, p.Gly1844Asp (NM_178313.3); short protein forms G1844D, G1857D.
Identifiers: ClinVar variation 4527929 (VCV004527929.1).